The following is an entry in ClinVar:

NM_012452.3(TNFRSF13B):c.309C>G (p.Phe103Leu)

Gene: TNFRSF13B (TNF receptor superfamily member 13B; minus strand). Cytogenetic location: 17p11.2.
Variant type: single nucleotide variant.
Coding change: c.309C>G on transcript NM_012452.3 (MANE Select); coding-DNA position 309, C replaced by G.
Protein change: p.Phe103Leu; replaces phenylalanine 103 with leucine.
Molecular consequence: missense variant.
Genome position (GRCh38, 1-based): chr17:16,948,874, G>C on the plus strand (C>G on the coding strand, the complement: TNFRSF13B is on the minus strand). VCF-style: chr17-16948874-G-C. GRCh37 (hg19) VCF-style: chr17-16852188-G-C.
Other names: short protein forms F103L.
Identifiers: ClinVar variation 1910910 (VCV001910910.4), dbSNP rs1201043139, ClinGen allele CA398520023.

ClinVar aggregate classification (germline): Uncertain significance (1 of 4 stars; one submission).

Conditions:
Immunodeficiency, common variable, 2 (CVID2). Also called: ANTIBODY DEFICIENCY DUE TO TACI DEFECT; HYPOGAMMAGLOBULINEMIA DUE TO TACI DEFICIENCY. Identifiers: Orphanet 1572, MedGen C3150354, MONDO:0009413, OMIM 240500.

Allele frequency attached by ClinVar (database versions not stated): gnomAD 0.00001; gnomAD exomes 0.00001.
gnomAD v4.1: 11 of 1,614,118 alleles (0.00068%); highest among the groups gnomAD compares: Non-Finnish European, 0.00076%; no homozygotes.

Submission:

Labcorp Genetics (formerly Invitae), Labcorp
Classification: Uncertain significance for Immunodeficiency, common variable, 2. Last evaluated: 2024-07-31. Review status: criteria provided, single submitter. Criteria: Invitae Variant Classification Sherloc (09022015). Collection method: clinical testing. Allele origin: germline.
Comment: This sequence change replaces phenylalanine, which is neutral and non-polar, with leucine, which is neutral and non-polar, at codon 103 of the TNFRSF13B protein (p.Phe103Leu). This variant is present in population databases (no rsID available, gnomAD 0.002%). This variant has not been reported in the literature in individuals affected with TNFRSF13B-related conditions. ClinVar contains an entry for this variant (Variation ID: 1910910). Advanced modeling of protein sequence and biophysical properties (such as structural, functional, and spatial information, amino acid conservation, physicochemical variation, residue mobility, and thermodynamic stability) performed at Invitae indicates that this missense variant is expected to disrupt TNFRSF13B protein function with a positive predictive value of 80%. In summary, the available evidence is currently insufficient to determine the role of this variant in disease. Therefore, it has been classified as a Variant of Uncertain Significance.